The following is an entry in ClinVar:

ClinVar aggregate classification (germline): Likely pathogenic. Review status: criteria provided, single submitter (1 of 4 stars). 2 submissions from 2 submitters: Likely pathogenic (1). 1 of the submissions does not count toward it. Last evaluated 2019-01-08.

Conditions:
Severe combined immunodeficiency due to CARMIL2 deficiency. Also called: IMMUNODEFICIENCY 58. Identifiers: Orphanet 542301, MedGen C4748304, MONDO:0029134, OMIM 618131.

Submissions (2):

SIB Swiss Institute of Bioinformatics
Classification: Likely pathogenic for Severe combined immunodeficiency due to CARMIL2 deficiency. Last evaluated: 2019-01-08. Review status: criteria provided, single submitter. Criteria: ACMG Guidelines, 2015. Collection method: curation. Allele origin: unknown.
Comment: This variant is interpreted as a Likely pathogenic for Immunodeficiency 58, autosomal recessive. The following ACMG Tag(s) were applied: PM2 : Absent from controls (or at extremely low frequency if recessive) in Exome Sequencing Project, 1000 Genomes Project, or Exome Aggregation Consortium. PP3 : Multiple lines of computational evidence support a deleterious effect on the gene or gene product. PP1 : Cosegregation with disease in multiple affected family members in a gene definitively known to cause the disease (PMID:29479355). PS3-Moderate : PS3 downgraded to moderate (PMID:29479355).

OMIM
Classification: Pathogenic for IMMUNODEFICIENCY 58. Last evaluated: 2018-09-28. Review status: no assertion criteria provided. Collection method: literature only. Allele origin: germline. Not counted in ClinVar's aggregate classification.

Literature cited by the submitters: PubMed 29479355 (cited by SIB Swiss Institute of Bioinformatics and OMIM).

NM_001013838.3(CARMIL2):c.149G>C (p.Arg50Thr)

Gene: CARMIL2 (capping protein regulator and myosin 1 linker 2; plus strand). Cytogenetic location: 16q22.1.
Variant type: single nucleotide variant.
Coding change: c.149G>C on transcript NM_001013838.3 (MANE Select); coding-DNA position 149, G replaced by C.
Protein change: p.Arg50Thr; replaces arginine 50 with threonine.
Molecular consequence: missense variant.
Genome position (GRCh38, 1-based): chr16:67,645,740, G>C. VCF-style: chr16-67645740-G-C. GRCh37 (hg19) VCF-style: chr16-67679643-G-C.
Other names: c.149G>C, p.Arg50Thr (NM_001317026.3); short protein forms R50T.
Identifiers: ClinVar variation 565285 (VCV000565285.2), dbSNP rs1567626023, ClinGen allele CA396330417.
Genomic context (GRCh38, chr16:67,645,740, plus strand): 5'-AGAGCCTCTTGCTCTGCCCAGGATATCAGACTGTCTTTCCCCAGGCACTGCTACGATGGA[G>C]AGCCTACCTGCTGCACACCACCTGCCTCCCGCTGAGGGTGAGTCCCAGGGCCTGGCCACA-3'
Protein context (NP_001013860.1, residues 40-60): QNHVLALLRW[Arg50Thr]AYLLHTTCLP